The following is an entry in ClinVar:

NM_000179.3(MSH6):c.3173-9T>C

Gene: MSH6 (mutS homolog 6; plus strand). Cytogenetic location: 2p16.3.
Variant type: single nucleotide variant.
Coding change: c.3173-9T>C on transcript NM_000179.3 (MANE Select); 9 bases into the intron before coding-DNA position 3173, T replaced by C.
Molecular consequence: intron variant.
Genome position (GRCh38, 1-based): chr2:47,803,411, T>C. VCF-style: chr2-47803411-T-C. GRCh37 (hg19) VCF-style: chr2-48030550-T-C.
Other names: c.2267-9T>C (NM_001281493.2, NM_001281494.2); c.2783-9T>C (NM_001281492.2).
Identifiers: ClinVar variation 923144 (VCV000923144.12), dbSNP rs1669728918, ClinGen allele CA913188180.
Genomic context (GRCh38, chr2:47,803,411, plus strand): 5'-CCTATAAAACACTTAGGCTGATAAAACCCCCAAACGATGAAGCCTCACTTTTACCCTCTC[T>C]TTTAACAGATGTTTTACTGTGCCTGGCTAACTATAGTCGAGGGGGTGATGGTCCTATGTG-3'

ClinVar aggregate classification (germline): Conflicting classifications of pathogenicity. Review status: criteria provided, conflicting classifications (1 of 4 stars). 3 submissions from 3 submitters: Uncertain significance (1); Likely benign (2). Last evaluated 2025-02-18.

Conditions:
Hereditary nonpolyposis colorectal neoplasms. Identifiers: MedGen C0009405, MeSH D003123.
Hereditary cancer-predisposing syndrome. Also called: Neoplastic Syndromes, Hereditary; Tumor predisposition; Hereditary Cancer Syndrome; Hereditary neoplastic syndrome. Identifiers: Orphanet 140162, MedGen C0027672, MeSH D009386, MONDO:0015356.

Submissions (3):

Quest Diagnostics Nichols Institute San Juan Capistrano
Classification: Uncertain significance. Last evaluated: 2025-02-18. Review status: criteria provided, single submitter. Criteria: Quest Diagnostics criteria. Collection method: clinical testing. Allele origin: unknown.
Comment: The MSH6 c.3173-9T>C variant has not been reported in individuals with MSH6-related conditions in the published literature. It also has not been reported in large, multi-ethnic general populations (Genome Aggregation Database). Analysis of this variant using software algorithms for the prediction of the effect of nucleotide changes on splicing yielded predictions that this variant does not affect MSH6 mRNA splicing. Based on the available information, we are unable to determine the clinical significance of this variant.

Labcorp Genetics (formerly Invitae), Labcorp
Classification: Likely benign for Hereditary nonpolyposis colorectal neoplasms. Last evaluated: 2020-07-25. Review status: criteria provided, single submitter. Criteria: Invitae Variant Classification Sherloc (09022015). Collection method: clinical testing. Allele origin: germline.

Color Diagnostics, LLC DBA Color Health
Classification: Likely benign for Hereditary cancer-predisposing syndrome. Last evaluated: 2019-06-06. Review status: criteria provided, single submitter. Criteria: ACMG Guidelines, 2015. Collection method: clinical testing. Allele origin: germline.